The following is an entry in ClinVar:

NM_000020.3(ACVRL1):c.1247-1G>C

Gene: ACVRL1 (activin A receptor like type 1; plus strand). Cytogenetic location: 12q13.13.
Variant type: single nucleotide variant.
Coding change: c.1247-1G>C on transcript NM_000020.3 (MANE Select); the canonical splice acceptor site of the intron before coding-DNA position 1247, G replaced by C.
Molecular consequence: splice acceptor variant.
Genome position (GRCh38, 1-based): chr12:51,918,984, G>C. VCF-style: chr12-51918984-G-C. GRCh37 (hg19) VCF-style: chr12-52312768-G-C.
Other names: c.683-1G>C (NM_001406495.1); c.1247-1G>C (NM_001406489.1, NM_001406488.1, NM_001077401.2 and 1 more transcripts); c.935-1G>C (NM_001406493.1, NM_001406491.1, NM_001406492.1); c.1091-1G>C (NM_001406490.1); c.737-1G>C (NM_001406494.1).
Identifiers: ClinVar variation 1524441 (VCV001524441.8), dbSNP rs2139083899, ClinGen allele CA384903592.

ClinVar aggregate classification (germline): Likely pathogenic (1 of 4 stars; one submission).

Conditions:
Telangiectasia, hereditary hemorrhagic, type 2 (HHT2). Also called: Telangiectasia, hereditary hemorrhagic, type II; ACVRL1-Related Hereditary Hemorrhagic Telangiectasia. Identifiers: Orphanet 774, MedGen C1838163, MONDO:0010880, OMIM 600376. Disease mechanism: loss of function.

Submission:

Labcorp Genetics (formerly Invitae), Labcorp
Classification: Likely pathogenic for Telangiectasia, hereditary hemorrhagic, type 2. Last evaluated: 2024-02-04. Review status: criteria provided, single submitter. Criteria: Invitae Variant Classification Sherloc (09022015). Collection method: clinical testing. Allele origin: germline.
Comment: This sequence change affects an acceptor splice site in intron 8 of the ACVRL1 gene. It is expected to disrupt RNA splicing. Variants that disrupt the donor or acceptor splice site typically lead to a loss of protein function (PMID: 16199547), and loss-of-function variants in ACVRL1 are known to be pathogenic (PMID: 15879500). This variant is not present in population databases (gnomAD no frequency). Disruption of this splice site has been observed in individual(s) with hereditary hemorrhagic telangiectasia (PMID: 32300199). ClinVar contains an entry for this variant (Variation ID: 1524441). Algorithms developed to predict the effect of sequence changes on RNA splicing suggest that this variant may disrupt the consensus splice site. In summary, the currently available evidence indicates that the variant is pathogenic, but additional data are needed to prove that conclusively. Therefore, this variant has been classified as Likely Pathogenic.

Literature cited by the submitters: PubMed 16199547; PubMed 15879500; PubMed 32300199.